The following is an entry in ClinVar:

NM_004380.3(CREBBP):c.1948T>C (p.Tyr650His)

Gene: CREBBP (CREB binding protein; minus strand). Cytogenetic location: 16p13.3.
Variant type: single nucleotide variant.
Coding change: c.1948T>C on transcript NM_004380.3 (MANE Select); coding-DNA position 1948, T replaced by C.
Protein change: p.Tyr650His; replaces tyrosine 650 with histidine.
Molecular consequence: missense variant.
Genome position (GRCh38, 1-based): chr16:3,778,176, A>G on the plus strand (T>C on the coding strand, the complement: CREBBP is on the minus strand). VCF-style: chr16-3778176-A-G. GRCh37 (hg19) VCF-style: chr16-3828177-A-G.
Other names: c.1834T>C, p.Tyr612His (NM_001079846.1); short protein forms Y650H, Y612H.
Identifiers: ClinVar variation 3077340 (VCV003077340.1), dbSNP rs2141234826, ClinGen allele CA394554962.

ClinVar aggregate classification (germline): Pathogenic (1 of 4 stars; one submission).

Conditions:
Inborn genetic diseases. Identifiers: MedGen C0950123, MeSH D030342.

Submission:

Ambry Genetics
Classification: Pathogenic for Inborn genetic diseases. Last evaluated: 2023-12-16. Review status: criteria provided, single submitter. Criteria: Ambry Variant Classification Scheme 2023. Collection method: clinical testing. Allele origin: germline.
Comment: The c.1948T>C (p.Y650H) alteration is located in exon 10 (coding exon 10) of the CREBBP gene. This alteration results from a T to C substitution at nucleotide position 1948, causing the tyrosine (Y) at amino acid position 650 to be replaced by a histidine (H)._x000D_ _x000D_ for Rubinstein-Taybi syndrome; however, its clinical significance for Menke-Hennekam syndrome is uncertain. This variant was not reported in population-based cohorts in the Genome Aggregation Database (gnomAD). Another alteration at the same codon, c.1949A>T (p.Y650F), has been reported de novo in an individual with features consistent with Rubinstein-Taybi syndrome (Spena, 2015). This amino acid position is highly conserved in available vertebrate species. This alteration is predicted to be deleterious by in silico analysis. Based on the available evidence, this alteration is classified as pathogenic.

Literature cited by the submitters: PubMed 25388907.